The following is an entry in ClinVar:

NM_001382391.1(CSPP1):c.3662T>C (p.Leu1221Pro)

Genes: ARFGEF1 (ARF guanine nucleotide exchange factor 1; minus strand), CSPP1 (centrosome and spindle pole associated protein 1; plus strand). Cytogenetic location: 8q13.2.
Variant type: single nucleotide variant.
Coding change: c.3662T>C on transcript NM_001382391.1 (MANE Select); coding-DNA position 3662, T replaced by C.
Protein change: p.Leu1221Pro; replaces leucine 1221 with proline.
Molecular consequence: missense variant. On other transcripts: 3 prime UTR variant (1), intron variant (2).
Genome position (GRCh38, 1-based): chr8:67,195,574, T>C. VCF-style: chr8-67195574-T-C. GRCh37 (hg19) VCF-style: chr8-68107809-T-C.
Other names: c.2612T>C, p.Leu871Pro (NM_001291339.2); c.3581T>C, p.Leu1194Pro (NM_001363131.2); c.3467T>C, p.Leu1156Pro (NM_001363132.2); c.3386T>C, p.Leu1129Pro (NM_001363133.2); c.3728T>C, p.Leu1243Pro (NM_001364869.1); c.3548T>C, p.Leu1183Pro (NM_001364870.1); c.3494T>C, p.Leu1165Pro (NM_001438330.1); c.*154T>C (NM_001438331.1); and 4 more; short protein forms L1216P, L1243P, L1129P, L1221P, L871P, L1156P, L1183P, L1194P.
Identifiers: ClinVar variation 1956410 (VCV001956410.4), dbSNP rs760329183, ClinGen allele CA4771239.

ClinVar aggregate classification (germline): Uncertain significance (1 of 4 stars; one submission).

Conditions:
Joubert syndrome 21 (JBTS21). Identifiers: MedGen C3810212, MONDO:0014288, OMIM 615636.

Allele frequency attached by ClinVar (database versions not stated): TOPMed below 0.00001; ExAC 0.00003; gnomAD exomes 0.00001.
gnomAD v4.1: 10 of 1,614,140 alleles (0.00062%); highest among the groups gnomAD compares: Non-Finnish European, 0.00076%; no homozygotes.

Submission:

Labcorp Genetics (formerly Invitae), Labcorp
Classification: Uncertain significance for Joubert syndrome 21. Last evaluated: 2022-02-03. Review status: criteria provided, single submitter. Criteria: Invitae Variant Classification Sherloc (09022015). Collection method: clinical testing. Allele origin: germline.
Comment: In summary, the available evidence is currently insufficient to determine the role of this variant in disease. Therefore, it has been classified as a Variant of Uncertain Significance. Algorithms developed to predict the effect of missense changes on protein structure and function are either unavailable or do not agree on the potential impact of this missense change (SIFT: "Deleterious"; PolyPhen-2: "Probably Damaging"; Align-GVGD: "Class C0"). This variant has not been reported in the literature in individuals affected with CSPP1-related conditions. This variant is present in population databases (rs760329183, gnomAD 0.003%). This sequence change replaces leucine, which is neutral and non-polar, with proline, which is neutral and non-polar, at codon 1216 of the CSPP1 protein (p.Leu1216Pro).